The following is an entry in ClinVar:

NC_000002.11:g.(?_203420070)_(211811277_?)del

Genes: ABI2 (abl interactor 2; plus strand), ACADL (acyl-CoA dehydrogenase long chain; minus strand), ADAM23 (ADAM metallopeptidase domain 23; plus strand), BMPR2 (bone morphogenetic protein receptor type 2; plus strand), C2orf80 (chromosome 2 open reading frame 80; minus strand) and 41 more. Cytogenetic location: 2q33.2-34.
Variant type: Deletion.
Identifiers: ClinVar variation 1511552 (VCV001511552.5).

ClinVar aggregate classification (germline): Uncertain significance (1 of 4 stars; one submission).

Conditions:
Primary pulmonary hypertension. Also called: Idiopathic pulmonary hypertension. Identifiers: MedGen C0152171.

Submission:

Labcorp Genetics (formerly Invitae), Labcorp
Classification: Uncertain significance for Primary pulmonary hypertension. Last evaluated: 2020-12-17. Review status: criteria provided, single submitter. Criteria: Invitae Variant Classification Sherloc (09022015). Collection method: clinical testing. Allele origin: germline.
Comment: Experimental studies and prediction algorithms are not available or were not evaluated, and the functional significance of this variant is currently unknown. This sequence change is a complex rearrangement of the genomic region encompassing exons 12 and 13 of the BMPR2 gene. It does not change the copy number of any exons. Although the exact nature of the event is unknown, it is likely that this is an inversion of part of exon 12 and all of exon 13. While this deletion is not anticipated to lead to nonsense mediated decay, it is expected to alter mRNA translation or result in a truncated protein product. In summary, the available evidence is currently insufficient to determine the role of this variant in disease. Therefore, it has been classified as a Variant of Uncertain Significance. This variant disrupts the C-terminus of the BMPR2 protein. Other variant(s) that disrupt this region (p.Trp984Cysfs*50) have been observed in individuals with BMPR2-related conditions (PMID: 31727138). This suggests that this may be a clinically significant region of the protein. This variant has been observed in individual(s) with pulmonary arterial hypertension (Invitae).

Literature cited by the submitters: PubMed 31727138.